The following is an entry in ClinVar:

NM_004168.4(SDHA):c.964C>T (p.Gln322Ter)

Gene: SDHA (succinate dehydrogenase complex flavoprotein subunit A; plus strand). Cytogenetic location: 5p15.33.
Variant type: single nucleotide variant.
Coding change: c.964C>T on transcript NM_004168.4 (MANE Select); coding-DNA position 964, C replaced by T.
Protein change: p.Gln322Ter; replaces glutamine 322 with a stop codon.
Molecular consequence: nonsense.
Genome position (GRCh38, 1-based): chr5:233,545, C>T. VCF-style: chr5-233545-C-T. GRCh37 (hg19) VCF-style: chr5-233660-C-T.
Other names: p.Gln322Ter; c.820C>T, p.Gln274Ter (NM_001294332.2); c.964C>T, p.Gln322Ter (NM_001330758.2); short protein forms Q274*, Q322*.
Identifiers: ClinVar variation 3338666 (VCV003338666.2).

ClinVar aggregate classification (germline): Likely pathogenic (1 of 4 stars; one submission).

Conditions:
Pheochromocytoma/paraganglioma syndrome 5. Also called: Paragangliomas 5; SDHA-Related Hereditary Paraganglioma-Pheochromocytoma Syndrome. Identifiers: Orphanet 29072, MedGen C3279992, MONDO:0013602, OMIM 614165.

Submission:

Molecular Genetics and NGS Laboratory, Hospital Fundacion Valle Del Lili
Classification: Likely pathogenic for Pheochromocytoma/paraganglioma syndrome 5. Last evaluated: 2024-08-22. Review status: criteria provided, single submitter. Criteria: ACMG Guidelines, 2015. Collection method: clinical testing. Allele origin: germline. Affected: yes. Observed: 1 variant allele.
Comment: Null variant (nonsense) in gene SDHA, predicted to cause NMD. Loss-of-function is a known mechanism of disease (PVS1).